The following is an entry in ClinVar:

ClinVar aggregate classification (germline): Pathogenic/Likely pathogenic. Review status: criteria provided, multiple submitters, no conflicts (2 of 4 stars). 2 submissions from 2 submitters: Pathogenic (1); Likely pathogenic (1). Last evaluated 2025-12-26.

Conditions:
Marfan syndrome (MFS). Also called: MARFAN SYNDROME, TYPE I; Marfan syndrome type 1; Marfan's syndrome; Marfan syndrome, classic; FBN1-Related Marfan Syndrome. Identifiers: Orphanet 284963, Orphanet 558, MedGen C0024796, MONDO:0007947, OMIM 154700.
Familial thoracic aortic aneurysm and aortic dissection (TAAD). Also called: Thoracic aortic aneurysms and dissections. Identifiers: Orphanet 91387, MedGen C4707243, MONDO:0019625.

Submissions (2):

Dasa
Classification: Likely pathogenic for Marfan syndrome. Last evaluated: 2025-12-26. Review status: criteria provided, single submitter. Criteria: DASA Assertion Criteria. Collection method: clinical testing. Allele origin: germline.
Comment: NM_000138.5(FBN1):c.4459+1G>A affects a canonical splice site and is predicted to disrupt normal RNA splicing. Loss of function is an established disease mechanism for FBN1 (PMID: 17701892; PMID: 30286810; PMID: 21063442). This variant has been recurrently observed in individuals with FBN1-related disorders (PMID: 31098894; PMID: 10464652). Also, this variant is absent from population databases. Based on the currently available evidence, this variant is classified as likely pathogenic.

Labcorp Genetics (formerly Invitae), Labcorp
Classification: Pathogenic for Marfan syndrome; Familial thoracic aortic aneurysm and aortic dissection. Last evaluated: 2022-05-25. Review status: criteria provided, single submitter. Criteria: Invitae Variant Classification Sherloc (09022015). Collection method: clinical testing. Allele origin: germline.
Comment: For these reasons, this variant has been classified as Pathogenic. Algorithms developed to predict the effect of sequence changes on RNA splicing suggest that this variant may disrupt the consensus splice site. Disruption of this splice site has been observed in individual(s) with Marfan syndrome (PMID: 10464652, 31098894). In at least one individual the variant was observed to be de novo. This variant is not present in population databases (gnomAD no frequency). This sequence change affects a donor splice site in intron 36 of the FBN1 gene. It is expected to disrupt RNA splicing. Variants that disrupt the donor or acceptor splice site typically lead to a loss of protein function (PMID: 16199547), and loss-of-function variants in FBN1 are known to be pathogenic (PMID: 17657824, 19293843).

Literature cited by the submitters: PubMed 31098894 (cited by Dasa and Labcorp Genetics (formerly Invitae), Labcorp); PubMed 19339519 (cited by Dasa); PubMed 19293843 (cited by Dasa and Labcorp Genetics (formerly Invitae), Labcorp); PubMed 10464652 (cited by Dasa and Labcorp Genetics (formerly Invitae), Labcorp); PubMed 17657824 (cited by Dasa and Labcorp Genetics (formerly Invitae), Labcorp); PubMed 17701892 (cited by Dasa); PubMed 30286810 (cited by Dasa); PubMed 21063442 (cited by Dasa); PubMed 16199547 (cited by Labcorp Genetics (formerly Invitae), Labcorp).

NM_000138.5(FBN1):c.4459+1G>A

Gene: FBN1 (fibrillin 1; minus strand). Cytogenetic location: 15q21.1.
Variant type: single nucleotide variant.
Coding change: c.4459+1G>A on transcript NM_000138.5 (MANE Select); the canonical splice donor site of the intron after coding-DNA position 4459, G replaced by A.
Molecular consequence: splice donor variant.
Genome position (GRCh38, 1-based): chr15:48,470,633, C>T on the plus strand (G>A on the coding strand, the complement: FBN1 is on the minus strand). VCF-style: chr15-48470633-C-T. GRCh37 (hg19) VCF-style: chr15-48762830-C-T.
Other names: c.4459+1G>A (NM_001406716.1).
Identifiers: ClinVar variation 2137694 (VCV002137694.6), dbSNP rs1227887757, ClinGen allele CA392354223.